The following is an entry in ClinVar:

NM_005911.6(MAT2A):c.614T>C (p.Ile205Thr)

Genes: GGCX (gamma-glutamyl carboxylase; minus strand), MAT2A (methionine adenosyltransferase 2A; plus strand). Cytogenetic location: 2p11.2.
Variant type: single nucleotide variant.
Coding change: c.614T>C on transcript NM_005911.6 (MANE Select); coding-DNA position 614, T replaced by C.
Protein change: p.Ile205Thr; replaces isoleucine 205 with threonine.
Molecular consequence: missense variant.
Genome position (GRCh38, 1-based): chr2:85,542,219, T>C. VCF-style: chr2-85542219-T-C. GRCh37 (hg19) VCF-style: chr2-85769342-T-C.
Other names: short protein forms I205T.
Identifiers: ClinVar variation 2762410 (VCV002762410.3), dbSNP rs555524579, ClinGen allele CA1741456.

ClinVar aggregate classification (germline): Uncertain significance (1 of 4 stars; one submission).

Conditions:
Familial thoracic aortic aneurysm and aortic dissection (TAAD). Also called: Thoracic aortic aneurysms and dissections. Identifiers: Orphanet 91387, MedGen C4707243, MONDO:0019625.

Allele frequency attached by ClinVar (database versions not stated): TOPMed below 0.00001; ExAC 0.00001; gnomAD 0.00001; gnomAD exomes 0.00001; 1000 Genomes Project 30x 0.00016; 1000 Genomes Project 0.00020.
gnomAD v4.1: 4 of 1,614,194 alleles (0.00025%); highest among the groups gnomAD compares: South Asian, 0.0011%; no homozygotes.

Submission:

Labcorp Genetics (formerly Invitae), Labcorp
Classification: Uncertain significance for Familial thoracic aortic aneurysm and aortic dissection. Last evaluated: 2025-12-02. Review status: criteria provided, single submitter. Criteria: Invitae Variant Classification Sherloc (09022015). Collection method: clinical testing. Allele origin: germline.
Comment: This sequence change replaces isoleucine, which is neutral and non-polar, with threonine, which is neutral and polar, at codon 205 of the MAT2A protein (p.Ile205Thr). This variant is present in population databases (rs555524579, gnomAD 0.004%). This variant has not been reported in the literature in individuals affected with MAT2A-related conditions. ClinVar contains an entry for this variant (Variation ID: 2762410). Invitae Evidence Modeling of protein sequence and biophysical properties (such as structural, functional, and spatial information, amino acid conservation, physicochemical variation, residue mobility, and thermodynamic stability) has been performed for this missense variant. However, the output from this modeling did not meet the statistical confidence thresholds required to predict the impact of this variant on MAT2A protein function. In summary, the available evidence is currently insufficient to determine the role of this variant in disease. Therefore, it has been classified as a Variant of Uncertain Significance.